The following is an entry in ClinVar:

NM_001128840.3(CACNA1D):c.1722G>A (p.Met574Ile)

Gene: CACNA1D (calcium voltage-gated channel subunit alpha1 D; plus strand). Cytogenetic location: 3p21.1.
Variant type: single nucleotide variant.
Coding change: c.1722G>A on transcript NM_001128840.3 (MANE Select); coding-DNA position 1722, G replaced by A.
Protein change: p.Met574Ile; replaces methionine 574 with isoleucine.
Molecular consequence: missense variant.
Genome position (GRCh38, 1-based): chr3:53,723,489, G>A. VCF-style: chr3-53723489-G-A. GRCh37 (hg19) VCF-style: chr3-53757516-G-A.
Other names: c.1782G>A (NM_000720.2); c.1782G>A, p.Met594Ile (NM_000720.4); c.1722G>A, p.Met574Ile (NM_001128839.3); short protein forms M574I, M594I.
Identifiers: ClinVar variation 801977 (VCV000801977.10), dbSNP rs373740752, ClinGen allele CA2454062.

ClinVar aggregate classification (germline): Conflicting classifications of pathogenicity. Review status: criteria provided, conflicting classifications (1 of 4 stars). 4 submissions from 4 submitters: Uncertain significance (2); Likely benign (2). Last evaluated 2025-11-11.

Conditions:
Inborn genetic diseases. Identifiers: MedGen C0950123, MeSH D030342.
Sinoatrial node dysfunction and deafness (SANDD). Identifiers: Orphanet 324321, MedGen C3554018, MONDO:0013960, OMIM 614896.

Allele frequency attached by ClinVar (database versions not stated): ExAC 0.00002; gnomAD exomes 0.00004; gnomAD 0.00007 and 0.00008; TOPMed 0.00007; ESP Exome Variant Server 0.00008.
gnomAD v4.1: 76 of 1,613,996 alleles (0.0047%); highest among the groups gnomAD compares: African/African-American, 0.025%; no homozygotes.

Submissions (4):

Labcorp Genetics (formerly Invitae), Labcorp
Classification: Likely benign. Last evaluated: 2025-11-11. Review status: criteria provided, single submitter. Criteria: Invitae Variant Classification Sherloc (09022015). Collection method: clinical testing. Allele origin: germline.

GeneDx
Classification: Uncertain significance. Last evaluated: 2022-08-02. Review status: criteria provided, single submitter. Criteria: GeneDx Variant Classification Process June 2021. Collection method: clinical testing. Allele origin: germline. Affected: yes.
Comment: In silico analysis supports that this missense variant has a deleterious effect on protein structure/function; Has not been previously published as pathogenic or benign to our knowledge

Ambry Genetics
Classification: Uncertain significance for Inborn genetic diseases. Last evaluated: 2022-06-21. Review status: criteria provided, single submitter. Criteria: Ambry Variant Classification Scheme 2023. Collection method: clinical testing. Allele origin: germline.
Comment: Unlikely to be causative of Primary aldosteronism, seizures, and neurologic abnormalities (AD) Based on insufficient or conflicting evidence, the clinical significance of this alteration remains unclear.

Mendelics
Classification: Likely benign for Sinoatrial node dysfunction and deafness. Last evaluated: 2019-05-28. Review status: criteria provided, single submitter. Criteria: Mendelics Assertion Criteria 2017. Collection method: clinical testing. Allele origin: unknown.